The following is an entry in ClinVar:

ClinVar aggregate classification (germline): Uncertain significance. Review status: criteria provided, multiple submitters, no conflicts (2 of 4 stars). 2 submissions from 2 submitters: Uncertain significance (2). Last evaluated 2024-11-18.

Submissions (2):

Labcorp Genetics (formerly Invitae), Labcorp
Classification: Uncertain significance. Last evaluated: 2024-11-18. Review status: criteria provided, single submitter. Criteria: Invitae Variant Classification Sherloc (09022015). Collection method: clinical testing. Allele origin: germline.
Comment: This sequence change replaces arginine, which is basic and polar, with cysteine, which is neutral and slightly polar, at codon 79 of the LAMA1 protein (p.Arg79Cys). This variant is present in population databases (rs373933623, gnomAD 0.01%). This missense change has been observed in individual(s) with LAMA1-related conditions (PMID: 33057194, 35982159). An algorithm developed to predict the effect of missense changes on protein structure and function (PolyPhen-2) suggests that this variant is likely to be disruptive. In summary, the available evidence is currently insufficient to determine the role of this variant in disease. Therefore, it has been classified as a Variant of Uncertain Significance.

Blueprint Genetics
Classification: Uncertain significance. Last evaluated: 2024-07-15. Review status: criteria provided, single submitter. Criteria: ACMG Guidelines, 2015. Collection method: clinical testing. Allele origin: germline.

Literature cited by the submitters: PubMed 33057194 (cited by Labcorp Genetics (formerly Invitae), Labcorp); PubMed 35982159 (cited by Labcorp Genetics (formerly Invitae), Labcorp).

NM_005559.4(LAMA1):c.235C>T (p.Arg79Cys)

Gene: LAMA1 (laminin subunit alpha 1; minus strand). Cytogenetic location: 18p11.31.
Variant type: single nucleotide variant.
Coding change: c.235C>T on transcript NM_005559.4 (MANE Select); coding-DNA position 235, C replaced by T.
Protein change: p.Arg79Cys; replaces arginine 79 with cysteine.
Molecular consequence: missense variant.
Genome position (GRCh38, 1-based): chr18:7,080,085, G>A on the plus strand (C>T on the coding strand, the complement: LAMA1 is on the minus strand). VCF-style: chr18-7080085-G-A. GRCh37 (hg19) VCF-style: chr18-7080084-G-A.
Other names: short protein forms R79C.
Identifiers: ClinVar variation 3708939 (VCV003708939.3).